The following is an entry in ClinVar:

NM_014946.4(SPAST):c.655G>A (p.Ala219Thr)

Gene: SPAST (spastin; plus strand). Cytogenetic location: 2p22.3.
Variant type: single nucleotide variant.
Coding change: c.655G>A on transcript NM_014946.4 (MANE Select); coding-DNA position 655, G replaced by A.
Protein change: p.Ala219Thr; replaces alanine 219 with threonine.
Molecular consequence: missense variant. On other transcripts: intron variant (3).
Genome position (GRCh38, 1-based): chr2:32,098,864, G>A. VCF-style: chr2-32098864-G-A. GRCh37 (hg19) VCF-style: chr2-32323933-G-A.
Other names: c.652G>A, p.Ala218Thr (NM_001363823.2); c.586+9259G>A (NM_199436.2, NM_001377959.1); c.583+9259G>A (NM_001363875.2); short protein forms A219T, A218T.
Identifiers: ClinVar variation 4749918 (VCV004749918.1).
Genomic context (GRCh38, chr2:32,098,864, plus strand): 5'-CAACCAGTTTTGCCATTTTCCAAGTCACAAACGGACGTCTATAATGACAGTACTAACTTG[G>A]CATGCCGCAATGGACATCTCCAGTCAGGTGGGTTTAGGTTAACTAACATAAAATAATAAA-3'
Protein context (NP_055761.2, residues 209-229): TDVYNDSTNL[Ala219Thr]CRNGHLQSES

ClinVar aggregate classification (germline): Uncertain significance (1 of 4 stars; one submission).

Conditions:
Hereditary spastic paraplegia 4. Also called: Spastic paraplegia 4, autosomal dominant; Spastic Paraplegia 4; Familial spastic paraplegia autosomal dominant 2. Identifiers: Orphanet 100985, MedGen C1866855, MONDO:0008438, OMIM 182601.

gnomAD v4.1: 3 of 1,613,518 alleles (0.00019%); highest among the groups gnomAD compares: East Asian, 0.0022%; no homozygotes.

Submission:

Labcorp Genetics (formerly Invitae), Labcorp
Classification: Uncertain significance for Hereditary spastic paraplegia 4. Last evaluated: 2025-07-29. Review status: criteria provided, single submitter. Criteria: Invitae Variant Classification Sherloc (09022015). Collection method: clinical testing. Allele origin: germline.
Comment: This sequence change replaces alanine, which is neutral and non-polar, with threonine, which is neutral and polar, at codon 219 of the SPAST protein (p.Ala219Thr). This variant is present in population databases (no rsID available, gnomAD 0.006%). This variant has not been reported in the literature in individuals affected with SPAST-related conditions. Invitae Evidence Modeling of protein sequence and biophysical properties (such as structural, functional, and spatial information, amino acid conservation, physicochemical variation, residue mobility, and thermodynamic stability) indicates that this missense variant is not expected to disrupt SPAST protein function with a negative predictive value of 95%. In summary, the available evidence is currently insufficient to determine the role of this variant in disease. Therefore, it has been classified as a Variant of Uncertain Significance.